The following is an entry in ClinVar:

ClinVar aggregate classification (germline): Uncertain significance (1 of 4 stars; one submission).

Conditions:
Hereditary sensory and autonomic neuropathy type 7. Also called: HSAN VII; Neuropathy, hereditary sensory and autonomic, type VII. Identifiers: Orphanet 391397, MedGen C3809882, MONDO:0014244, OMIM 615548.
Familial episodic pain syndrome with predominantly lower limb involvement. Also called: Episodic pain syndrome, familial, 3. Identifiers: Orphanet 391384, Orphanet 391392, MedGen C3809899, MONDO:0014247, OMIM 615552.

Submission:

Labcorp Genetics (formerly Invitae), Labcorp
Classification: Uncertain significance for Familial episodic pain syndrome with predominantly lower limb involvement; Hereditary sensory and autonomic neuropathy type 7. Last evaluated: 2024-03-21. Review status: criteria provided, single submitter. Criteria: Invitae Variant Classification Sherloc (09022015). Collection method: clinical testing. Allele origin: germline.
Comment: This sequence change replaces arginine, which is basic and polar, with cysteine, which is neutral and slightly polar, at codon 102 of the SCN11A protein (p.Arg102Cys). This variant is not present in population databases (gnomAD no frequency). This variant has not been reported in the literature in individuals affected with SCN11A-related conditions. Advanced modeling of protein sequence and biophysical properties (such as structural, functional, and spatial information, amino acid conservation, physicochemical variation, residue mobility, and thermodynamic stability) performed at Invitae indicates that this missense variant is expected to disrupt SCN11A protein function with a positive predictive value of 80%. In summary, the available evidence is currently insufficient to determine the role of this variant in disease. Therefore, it has been classified as a Variant of Uncertain Significance.

NM_001349253.2(SCN11A):c.304C>T (p.Arg102Cys)

Gene: SCN11A (sodium voltage-gated channel alpha subunit 11; minus strand). Cytogenetic location: 3p22.2.
Variant type: single nucleotide variant.
Coding change: c.304C>T on transcript NM_001349253.2 (MANE Select); coding-DNA position 304, C replaced by T.
Protein change: p.Arg102Cys; replaces arginine 102 with cysteine.
Molecular consequence: missense variant.
Genome position (GRCh38, 1-based): chr3:38,946,871, G>A on the plus strand (C>T on the coding strand, the complement: SCN11A is on the minus strand). VCF-style: chr3-38946871-G-A. GRCh37 (hg19) VCF-style: chr3-38988362-G-A.
Other names: c.304C>T, p.Arg102Cys (NM_014139.3); short protein forms R102C.
Identifiers: ClinVar variation 3749683 (VCV003749683.2).